The following is an entry in ClinVar:

ClinVar aggregate classification (germline): Uncertain significance. Review status: criteria provided, multiple submitters, no conflicts (2 of 4 stars). 3 submissions from 3 submitters: Uncertain significance (3). Last evaluated 2025-04-03.

Conditions:
Charcot-Marie-Tooth disease dominant intermediate C (CMTDIC). Also called: CHARCOT-MARIE-TOOTH NEUROPATHY, DOMINANT INTERMEDIATE C. Identifiers: Orphanet 100045, MedGen C1842237, MONDO:0012012, OMIM 608323.
Neurologic, endocrine, and pancreatic disease, multisystem, infantile-onset 2 (IMNEPD2). Also called: YARS1 Deficiency. Identifiers: MedGen C5543623, MONDO:0030375, OMIM 619418.
Inborn genetic diseases. Identifiers: MedGen C0950123, MeSH D030342.

Allele frequency attached by ClinVar (database versions not stated): gnomAD exomes below 0.00001; gnomAD 0.00001; TOPMed 0.00001.
gnomAD v4.1: 2 of 1,613,828 alleles (0.00012%); highest among the groups gnomAD compares: Non-Finnish European, 0.000085%; no homozygotes.

Submissions (3):

Ambry Genetics
Classification: Uncertain significance for Inborn genetic diseases. Last evaluated: 2025-04-03. Review status: criteria provided, single submitter. Criteria: Ambry Variant Classification Scheme 2023. Collection method: clinical testing. Allele origin: germline.

Fulgent Genetics
Classification: Uncertain significance for Charcot-Marie-Tooth disease dominant intermediate C; Neurologic, endocrine, and pancreatic disease, multisystem, infantile-onset 2. Last evaluated: 2022-04-14. Review status: criteria provided, single submitter. Criteria: ACMG Guidelines, 2015. Collection method: clinical testing. Allele origin: unknown.

Labcorp Genetics (formerly Invitae), Labcorp
Classification: Uncertain significance for Charcot-Marie-Tooth disease, dominant intermediate C. Last evaluated: 2019-10-14. Review status: criteria provided, single submitter. Criteria: Invitae Variant Classification Sherloc (09022015). Collection method: clinical testing. Allele origin: germline.
Comment: This sequence change replaces isoleucine with valine at codon 108 of the YARS protein (p.Ile108Val). The isoleucine residue is highly conserved and there is a small physicochemical difference between isoleucine and valine. This variant is not present in population databases (ExAC no frequency). This variant has not been reported in the literature in individuals with YARS-related conditions. Algorithms developed to predict the effect of missense changes on protein structure and function are either unavailable or do not agree on the potential impact of this missense change (SIFT: "Tolerated"; PolyPhen-2: "Benign"; Align-GVGD: "Class C15"). In summary, the available evidence is currently insufficient to determine the role of this variant in disease. Therefore, it has been classified as a Variant of Uncertain Significance.

NM_003680.4(YARS1):c.322A>G (p.Ile108Val)

Gene: YARS1 (tyrosyl-tRNA synthetase 1; minus strand). Cytogenetic location: 1p35.1.
Variant type: single nucleotide variant.
Coding change: c.322A>G on transcript NM_003680.4 (MANE Select); coding-DNA position 322, A replaced by G.
Protein change: p.Ile108Val; replaces isoleucine 108 with valine.
Molecular consequence: missense variant.
Genome position (GRCh38, 1-based): chr1:32,810,649, T>C on the plus strand (A>G on the coding strand, the complement: YARS1 is on the minus strand). VCF-style: chr1-32810649-T-C. GRCh37 (hg19) VCF-style: chr1-33276250-T-C.
Other names: short protein forms I108V.
Identifiers: ClinVar variation 942051 (VCV000942051.3), dbSNP rs1467446637, ClinGen allele CA339687121.